The following is an entry in ClinVar:

ClinVar aggregate classification (germline): Uncertain significance (1 of 4 stars; one submission).

Allele frequency attached by ClinVar (database versions not stated): gnomAD exomes below 0.00001.
gnomAD v4.1: 1 of 1,590,750 alleles (0.000063%); highest among the groups gnomAD compares: Non-Finnish European, 0.000086%; no homozygotes.

Submission:

Labcorp Genetics (formerly Invitae), Labcorp
Classification: Uncertain significance. Last evaluated: 2021-11-05. Review status: criteria provided, single submitter. Criteria: Invitae Variant Classification Sherloc (09022015). Collection method: clinical testing. Allele origin: germline.
Comment: This sequence change replaces aspartic acid, which is acidic and polar, with glycine, which is neutral and non-polar, at codon 420 of the PNPT1 protein (p.Asp420Gly). This variant is not present in population databases (gnomAD no frequency). This variant has not been reported in the literature in individuals affected with PNPT1-related conditions. Algorithms developed to predict the effect of missense changes on protein structure and function (SIFT, PolyPhen-2, Align-GVGD) all suggest that this variant is likely to be tolerated. Algorithms developed to predict the effect of sequence changes on RNA splicing suggest that this variant may create or strengthen a splice site. In summary, the available evidence is currently insufficient to determine the role of this variant in disease. Therefore, it has been classified as a Variant of Uncertain Significance.

NM_033109.5(PNPT1):c.1259A>G (p.Asp420Gly)

Gene: PNPT1 (polyribonucleotide nucleotidyltransferase 1; minus strand). Cytogenetic location: 2p16.1.
Variant type: single nucleotide variant.
Coding change: c.1259A>G on transcript NM_033109.5 (MANE Select); coding-DNA position 1259, A replaced by G.
Protein change: p.Asp420Gly; replaces aspartic acid 420 with glycine.
Molecular consequence: missense variant.
Genome position (GRCh38, 1-based): chr2:55,660,182, T>C on the plus strand (A>G on the coding strand, the complement: PNPT1 is on the minus strand). VCF-style: chr2-55660182-T-C. GRCh37 (hg19) VCF-style: chr2-55887317-T-C.
Other names: short protein forms D420G.
Identifiers: ClinVar variation 1391351 (VCV001391351.6), dbSNP rs2104086432, ClinGen allele CA346928119.